The following is an entry in ClinVar:

NM_022124.6(CDH23):c.5790C>T (p.Asp1930=)

Gene: CDH23 (cadherin related 23; plus strand). Cytogenetic location: 10q22.1.
Variant type: single nucleotide variant.
Coding change: c.5790C>T on transcript NM_022124.6 (MANE Select); coding-DNA position 5790, C replaced by T.
Protein change: p.Asp1930=; no amino-acid change (aspartic acid 1930 retained).
Molecular consequence: synonymous variant.
Genome position (GRCh38, 1-based): chr10:71,785,708, C>T. VCF-style: chr10-71785708-C-T. GRCh37 (hg19) VCF-style: chr10-73545465-C-T.
Other names: c.5790C>T (NM_022124.5).
Identifiers: ClinVar variation 1080962 (VCV001080962.21), dbSNP rs572668890, ClinGen allele CA5545875.
Genomic context (GRCh38, chr10:71,785,708, plus strand): 5'-GAACCGGCCCCTGGACCGCGAGCGGATCCCAGAGTACAAGCTGACCATTTCTGTGAAGGA[C>T]AACCCGGAGAATCCACGCATAGCCAGGAGGGTGAGACTGGAGGGCACTGGTGGGAGTGGG-3'
Protein context (NP_071407.4, residues 1920-1940): PEYKLTISVK[Asp1930=]NPENPRIARR

ClinVar aggregate classification (germline): Likely benign. Review status: criteria provided, multiple submitters, no conflicts (2 of 4 stars). 3 submissions from 3 submitters: Likely benign (2). 1 of the submissions does not count toward it. Last evaluated 2026-02-02.

Conditions:
CDH23-related disorder. Also called: CDH23-related condition; CDH23-related disorders.

Allele frequency attached by ClinVar (database versions not stated): TOPMed 0.00001; gnomAD 0.00002 and 0.00003; gnomAD exomes 0.00003 and 0.00005; ExAC 0.00007; 1000 Genomes Project 30x 0.00016; 1000 Genomes Project 0.00020.
gnomAD v4.1: 49 of 1,607,928 alleles (0.003%); highest among the groups gnomAD compares: Middle Eastern, 0.017%; no homozygotes.

Submissions (3):

Labcorp Genetics (formerly Invitae), Labcorp
Classification: Likely benign. Last evaluated: 2026-02-02. Review status: criteria provided, single submitter. Criteria: Invitae Variant Classification Sherloc (09022015). Collection method: clinical testing. Allele origin: germline.

CeGaT Center for Human Genetics Tuebingen
Classification: Likely benign. Last evaluated: 2025-04-01. Review status: criteria provided, single submitter. Criteria: CeGaT Center For Human Genetics Tuebingen Variant Classification Criteria Version 2. Collection method: clinical testing. Allele origin: germline. Affected: yes. Observed: 1 variant allele.
Comment: CDH23: BP4, BP7

PreventionGenetics, part of Exact Sciences
Classification: Likely benign for CDH23-related condition. Last evaluated: 2020-12-23. Review status: no assertion criteria provided. Collection method: clinical testing. Allele origin: germline. Not counted in ClinVar's aggregate classification.
Comment: This variant is classified as likely benign based on ACMG/AMP sequence variant interpretation guidelines (Richards et al. 2015 PMID: 25741868, with internal and published modifications).